The following is an entry in ClinVar:

NM_001042492.3(NF1):c.5076T>A (p.Tyr1692Ter)

Gene: NF1 (neurofibromin 1; plus strand). Cytogenetic location: 17q11.2.
Variant type: single nucleotide variant.
Coding change: c.5076T>A on transcript NM_001042492.3 (MANE Select); coding-DNA position 5076, T replaced by A.
Protein change: p.Tyr1692Ter; replaces tyrosine 1692 with a stop codon.
Molecular consequence: nonsense.
Genome position (GRCh38, 1-based): chr17:31,326,060, T>A. VCF-style: chr17-31326060-T-A. GRCh37 (hg19) VCF-style: chr17-29653078-T-A.
Other names: c.5013T>A, p.Tyr1671Ter (NM_000267.4); short protein forms Y1692*, Y1671*.
Identifiers: ClinVar variation 825371 (VCV000825371.5), dbSNP rs1597829961, ClinGen allele CA399007464.

ClinVar aggregate classification (germline): Pathogenic (1 of 4 stars; one submission).

Conditions:
Hereditary cancer-predisposing syndrome. Also called: Neoplastic Syndromes, Hereditary; Tumor predisposition; Hereditary neoplastic syndrome; Hereditary Cancer Syndrome. Identifiers: Orphanet 140162, MedGen C0027672, MeSH D009386, MONDO:0015356.
Cardiovascular phenotype. Identifiers: MedGen CN230736.

Submission:

Ambry Genetics
Classification: Pathogenic for Cardiovascular phenotype; Hereditary cancer-predisposing syndrome. Last evaluated: 2025-08-06. Review status: criteria provided, single submitter. Criteria: Ambry Variant Classification Scheme 2023. Collection method: clinical testing. Allele origin: germline.
Comment: The p.Y1671* pathogenic mutation (also known as c.5013T>A), located in coding exon 36 of the NF1 gene, results from a T to A substitution at nucleotide position 5013. This changes the amino acid from a tyrosine to a stop codon within coding exon 36. This variant is considered to be rare based on population cohorts in the Genome Aggregation Database (gnomAD). This alteration is expected to result in loss of function by premature protein truncation or nonsense-mediated mRNA decay. As such, this alteration is interpreted as a disease-causing mutation.